The following is an entry in ClinVar:

ClinVar aggregate classification (germline): Uncertain significance (1 of 4 stars; one submission).

Conditions:
Inborn genetic diseases. Identifiers: MedGen C0950123, MeSH D030342.

Submission:

Ambry Genetics
Classification: Uncertain significance for Inborn genetic diseases. Last evaluated: 2022-10-04. Review status: criteria provided, single submitter. Criteria: Ambry Variant Classification Scheme 2023. Collection method: clinical testing. Allele origin: germline.
Comment: The p.Q195H variant (also known as c.585A>T), located in coding exon 6 of the BUB1B gene, results from an A to T substitution at nucleotide position 585. The glutamine at codon 195 is replaced by histidine, an amino acid with highly similar properties. This amino acid position is conserved. In addition, this alteration is predicted to be tolerated by in silico analysis. Since supporting evidence is limited at this time, the clinical significance of this alteration remains unclear.

NM_001211.6(BUB1B):c.585A>T (p.Gln195His)

Gene: BUB1B (BUB1 mitotic checkpoint serine/threonine kinase B; plus strand). Cytogenetic location: 15q15.1.
Variant type: single nucleotide variant.
Coding change: c.585A>T on transcript NM_001211.6 (MANE Select); coding-DNA position 585, A replaced by T.
Protein change: p.Gln195His; replaces glutamine 195 with histidine.
Molecular consequence: missense variant.
Genome position (GRCh38, 1-based): chr15:40,183,717, A>T. VCF-style: chr15-40183717-A-T. GRCh37 (hg19) VCF-style: chr15-40475918-A-T.
Other names: short protein forms Q195H.
Identifiers: ClinVar variation 1750112 (VCV001750112.2), dbSNP rs1595518738, ClinGen allele CA391683008.